The following is an entry in ClinVar:

ClinVar aggregate classification (germline): Uncertain significance (1 of 4 stars; one submission).

Submission:

Labcorp Genetics (formerly Invitae), Labcorp
Classification: Uncertain significance. Last evaluated: 2024-12-02. Review status: criteria provided, single submitter. Criteria: Invitae Variant Classification Sherloc (09022015). Collection method: clinical testing. Allele origin: germline.
Comment: This sequence change replaces methionine, which is neutral and non-polar, with arginine, which is basic and polar, at codon 394 of the CCDC88A protein (p.Met394Arg). This variant is not present in population databases (gnomAD no frequency). This variant has not been reported in the literature in individuals affected with CCDC88A-related conditions. ClinVar contains an entry for this variant (Variation ID: 1387703). An algorithm developed to predict the effect of missense changes on protein structure and function (PolyPhen-2) suggests that this variant is likely to be disruptive. In summary, the available evidence is currently insufficient to determine the role of this variant in disease. Therefore, it has been classified as a Variant of Uncertain Significance.

NM_001365480.1(CCDC88A):c.1181T>G (p.Met394Arg)

Gene: CCDC88A (coiled-coil and HOOK domain protein 88A; minus strand). Cytogenetic location: 2p16.1.
Variant type: single nucleotide variant.
Coding change: c.1181T>G on transcript NM_001365480.1 (MANE Select); coding-DNA position 1181, T replaced by G.
Protein change: p.Met394Arg; replaces methionine 394 with arginine.
Molecular consequence: missense variant.
Genome position (GRCh38, 1-based): chr2:55,344,375, A>C on the plus strand (T>G on the coding strand, the complement: CCDC88A is on the minus strand). VCF-style: chr2-55344375-A-C. GRCh37 (hg19) VCF-style: chr2-55571511-A-C.
Other names: c.1181T>G, p.Met394Arg (NM_001135597.2, NM_001254943.2, NM_018084.5); short protein forms M394R.
Identifiers: ClinVar variation 1387703 (VCV001387703.6), dbSNP rs2104723411, ClinGen allele CA346905897.